The following is an entry in ClinVar:

ClinVar aggregate classification (germline): Benign. Review status: criteria provided, multiple submitters, no conflicts (2 of 4 stars). 5 submissions from 5 submitters: Benign (5). Last evaluated 2026-01-27.

Conditions:
Renal hypomagnesemia 4. Also called: HYPOMAGNESEMIA, RENAL, NORMOCALCIURIC. Identifiers: Orphanet 34527, MedGen C2673648, MONDO:0012717, OMIM 611718.

Allele frequency attached by ClinVar (database versions not stated): gnomAD exomes 0.00185 and 0.00452; ExAC 0.00535; 1000 Genomes Project 0.01478; 1000 Genomes Project 30x 0.01593; gnomAD 0.01752 and 0.01890; TOPMed 0.02037; ESP Exome Variant Server 0.02123.

Submissions (5):

Labcorp Genetics (formerly Invitae), Labcorp
Classification: Benign. Last evaluated: 2026-01-27. Review status: criteria provided, single submitter. Criteria: Invitae Variant Classification Sherloc (09022015). Collection method: clinical testing. Allele origin: germline.

Mayo Clinic Laboratories, Mayo Clinic
Classification: Benign. Last evaluated: 2023-04-10. Review status: criteria provided, single submitter. Criteria: ACMG Guidelines, 2015. Collection method: clinical testing. Allele origin: germline. Observed: 2 variant alleles.

GeneDx
Classification: Benign. Last evaluated: 2020-02-03. Review status: criteria provided, single submitter. Criteria: GeneDx Variant Classification Process June 2021. Collection method: clinical testing. Allele origin: germline. Affected: yes.

Illumina Laboratory Services, Illumina
Classification: Benign for Renal hypomagnesemia 4. Last evaluated: 2018-01-13. Review status: criteria provided, single submitter. Criteria: ICSL Variant Classification Criteria 13 December 2019. Collection method: clinical testing. Allele origin: germline.
Comment: This variant was observed in the ICSL laboratory as part of a predisposition screen in an ostensibly healthy population. It had not been previously curated by ICSL or reported in the Human Gene Mutation Database (HGMD: prior to June 1st, 2018), and was therefore a candidate for classification through an automated scoring system. Utilizing variant allele frequency, disease prevalence and penetrance estimates, and inheritance mode, an automated score was calculated to assess if this variant is too frequent to cause the disease. Based on the score and internal cut-off values, a variant classified as benign is not then subjected to further curation. The score for this variant resulted in a classification of benign for this disease.

Breakthrough Genomics
Classification: Benign. Review status: criteria provided, single submitter. Criteria: ACMG Guidelines, 2015. Collection method: not provided. Allele origin: germline. Inheritance: Autosomal recessive inheritance. Affected: yes.

NM_001963.6(EGF):c.451C>T (p.His151Tyr)

Gene: EGF (epidermal growth factor; plus strand). Cytogenetic location: 4q25.
Variant type: single nucleotide variant.
Coding change: c.451C>T on transcript NM_001963.6 (MANE Select); coding-DNA position 451, C replaced by T.
Protein change: p.His151Tyr; replaces histidine 151 with tyrosine.
Molecular consequence: missense variant.
Genome position (GRCh38, 1-based): chr4:109,943,377, C>T. VCF-style: chr4-109943377-C-T. GRCh37 (hg19) VCF-style: chr4-110864533-C-T.
Other names: c.451C>T, p.His151Tyr (NM_001178130.3, NM_001178131.3, NM_001357021.2); short protein forms H151Y.
Identifiers: ClinVar variation 347227 (VCV000347227.17), dbSNP rs9991664, ClinGen allele CA3043412.
Genomic context (GRCh38, chr4:109,943,377, plus strand): 5'-ATTTGGTCAAATCAACAGGAAGGAATCATTACAGTAACAGATATGAAAGGAAATAATTCC[C>T]ACATTCTTTTAAGTGCTTTAAAATATCCTGCAAATGTAGCAGTTGATCCAGTAGAAAGGT-3'
Protein context (NP_001954.2, residues 141-161): TVTDMKGNNS[His151Tyr]ILLSALKYPA